The following is an entry in ClinVar:

ClinVar aggregate classification (germline): Conflicting classifications of pathogenicity. Review status: criteria provided, conflicting classifications (1 of 4 stars). 2 submissions from 2 submitters: Uncertain significance (1); Benign (1). Last evaluated 2026-02-10.

gnomAD v4.1: 3 of 1,614,162 alleles (0.00019%); highest among the groups gnomAD compares: Non-Finnish European, 0.00025%; no homozygotes.

Submissions (2):

GeneDx
Classification: Uncertain significance. Last evaluated: 2026-02-10. Review status: criteria provided, single submitter. Criteria: GeneDx Variant Classification Process June 2021. Collection method: clinical testing. Allele origin: germline.
Comment: Not observed at significant frequency in large population cohorts (gnomAD); In silico analysis supports that this missense variant has a deleterious effect on protein structure/function; Has not been previously published as pathogenic or benign to our knowledge

Labcorp Genetics (formerly Invitae), Labcorp
Classification: Benign. Last evaluated: 2024-06-17. Review status: criteria provided, single submitter. Criteria: Invitae Variant Classification Sherloc (09022015). Collection method: clinical testing. Allele origin: germline.

NM_019842.4(KCNQ5):c.1894C>G (p.Arg632Gly)

Gene: KCNQ5 (potassium voltage-gated channel subfamily Q member 5; plus strand). Cytogenetic location: 6q13.
Variant type: single nucleotide variant.
Coding change: c.1894C>G on transcript NM_019842.4 (MANE Select); coding-DNA position 1894, C replaced by G.
Protein change: p.Arg632Gly; replaces arginine 632 with glycine.
Molecular consequence: missense variant.
Genome position (GRCh38, 1-based): chr6:73,194,509, C>G. VCF-style: chr6-73194509-C-G. GRCh37 (hg19) VCF-style: chr6-73904232-C-G.
Other names: c.1867C>G, p.Arg623Gly (NM_001160130.2); c.1924C>G, p.Arg642Gly (NM_001160132.2); c.1951C>G, p.Arg651Gly (NM_001160133.2); c.1564C>G, p.Arg522Gly (NM_001160134.2); c.1951C>G (NM_001160133.1); short protein forms R623G, R642G, R651G, R632G, R522G.
Identifiers: ClinVar variation 3647797 (VCV003647797.3).